The following is an entry in ClinVar:

NM_001374259.2(IL12RB2):c.364+5G>A

Gene: IL12RB2 (interleukin 12 receptor subunit beta 2; plus strand). Cytogenetic location: 1p31.3.
Variant type: single nucleotide variant.
Coding change: c.364+5G>A on transcript NM_001374259.2 (MANE Select); 5 bases into the intron after coding-DNA position 364, G replaced by A.
Molecular consequence: intron variant.
Genome position (GRCh38, 1-based): chr1:67,321,894, G>A. VCF-style: chr1-67321894-G-A. GRCh37 (hg19) VCF-style: chr1-67787577-G-A.
Other names: c.364+5G>A (NM_001258214.1, NM_001319233.1, NM_001258216.1 and 2 more transcripts).
Identifiers: ClinVar variation 1953907 (VCV001953907.5), dbSNP rs761690932, ClinGen allele CA900164.

ClinVar aggregate classification (germline): Uncertain significance (1 of 4 stars; one submission).

Allele frequency attached by ClinVar (database versions not stated): ExAC 0.00001; gnomAD exomes 0.00001; TOPMed 0.00002; gnomAD 0.00005.
gnomAD v4.1: 29 of 1,611,798 alleles (0.0018%); highest among the groups gnomAD compares: Admixed American, 0.017%; no homozygotes.

Submission:

Labcorp Genetics (formerly Invitae), Labcorp
Classification: Uncertain significance. Last evaluated: 2025-12-24. Review status: criteria provided, single submitter. Criteria: Invitae Variant Classification Sherloc (09022015). Collection method: clinical testing. Allele origin: germline.
Comment: This sequence change falls in intron 3 of the IL12RB2 gene. It does not directly change the encoded amino acid sequence of the IL12RB2 protein. It affects a nucleotide within the consensus splice site. This variant is present in population databases (rs761690932, gnomAD 0.009%). This variant has not been reported in the literature in individuals affected with IL12RB2-related conditions. ClinVar contains an entry for this variant (Variation ID: 1953907). Variants that disrupt the consensus splice site are a relatively common cause of aberrant splicing (PMID: 17576681, 9536098). Algorithms developed to predict the effect of sequence changes on RNA splicing suggest that this variant may disrupt the consensus splice site. In summary, the available evidence is currently insufficient to determine the role of this variant in disease. Therefore, it has been classified as a Variant of Uncertain Significance.

Literature cited by the submitters: PubMed 17576681; PubMed 9536098.